The following is an entry in ClinVar:

ClinVar aggregate classification (germline): Uncertain significance. Review status: criteria provided, multiple submitters, no conflicts (2 of 4 stars). 2 submissions from 2 submitters: Uncertain significance (2). Last evaluated 2024-05-30.

Conditions:
Inborn genetic diseases. Identifiers: MedGen C0950123, MeSH D030342.

gnomAD v4.1: 5 of 1,613,036 alleles (0.00031%); highest among the groups gnomAD compares: Admixed American, 0.0084%; no homozygotes.

Submissions (2):

Ambry Genetics
Classification: Uncertain significance for Inborn genetic diseases. Last evaluated: 2024-05-30. Review status: criteria provided, single submitter. Criteria: Ambry Variant Classification Scheme 2023. Collection method: clinical testing. Allele origin: germline.

Labcorp Genetics (formerly Invitae), Labcorp
Classification: Uncertain significance. Last evaluated: 2021-08-26. Review status: criteria provided, single submitter. Criteria: Invitae Variant Classification Sherloc (09022015). Collection method: clinical testing. Allele origin: germline.
Comment: This sequence change replaces aspartic acid with glycine at codon 304 of the TBCK protein (p.Asp304Gly). The aspartic acid residue is moderately conserved and there is a moderate physicochemical difference between aspartic acid and glycine. This variant is present in population databases (rs767233770, ExAC 0.02%). This variant has not been reported in the literature in individuals affected with TBCK-related conditions. Algorithms developed to predict the effect of missense changes on protein structure and function (SIFT, PolyPhen-2, Align-GVGD) all suggest that this variant is likely to be tolerated. Algorithms developed to predict the effect of sequence changes on RNA splicing suggest that this variant may create or strengthen a splice site. In summary, the available evidence is currently insufficient to determine the role of this variant in disease. Therefore, it has been classified as a Variant of Uncertain Significance.

NM_001163435.3(TBCK):c.911A>G (p.Asp304Gly)

Gene: TBCK (TBC1 domain containing kinase; minus strand). Cytogenetic location: 4q24.
Variant type: single nucleotide variant.
Coding change: c.911A>G on transcript NM_001163435.3 (MANE Select); coding-DNA position 911, A replaced by G.
Protein change: p.Asp304Gly; replaces aspartic acid 304 with glycine.
Molecular consequence: missense variant.
Genome position (GRCh38, 1-based): chr4:106,247,159, T>C on the plus strand (A>G on the coding strand, the complement: TBCK is on the minus strand). VCF-style: chr4-106247159-T-C. GRCh37 (hg19) VCF-style: chr4-107168316-T-C.
Other names: c.911A>G, p.Asp304Gly (NM_001163436.4); c.794A>G, p.Asp265Gly (NM_001163437.3); c.395A>G, p.Asp132Gly (NM_001290768.2); c.722A>G, p.Asp241Gly (NM_033115.5); c.911A>G (NM_001163435.1); short protein forms D265G, D132G, D304G, D241G.
Identifiers: ClinVar variation 1430462 (VCV001430462.4), dbSNP rs767233770, ClinGen allele CA3035259.